The following is an entry in ClinVar:

ClinVar aggregate classification (germline): Uncertain significance (1 of 4 stars; one submission).

Conditions:
Multiple congenital exostosis (EXT). Also called: MULTIPLE CARTILAGINOUS EXOSTOSES; Multiple exostoses; Multiple osteochondromas; Hereditary multiple exostoses; Hereditary multiple exostosis; Hereditary multiple osteochondromas. Identifiers: Orphanet 321, MedGen C0015306, MONDO:0005508, HP:0002762.

Submission:

Baylor Genetics
Classification: Uncertain significance for Exostoses, multiple, type 1. Last evaluated: 2020-12-09. Review status: criteria provided, single submitter. Criteria: ACMG Guidelines, 2015. Collection method: clinical testing. Allele origin: unknown. Affected: yes. Study: CSER-TexasKidsCanSeq.
Comment: This variant was determined to be of uncertain significance according to ACMG Guidelines, 2015 [PMID:25741868].

NM_000127.3(EXT1):c.197T>C (p.Val66Ala)

Gene: EXT1 (exostosin glycosyltransferase 1; minus strand). Cytogenetic location: 8q24.11.
Variant type: single nucleotide variant.
Coding change: c.197T>C on transcript NM_000127.3 (MANE Select); coding-DNA position 197, T replaced by C.
Protein change: p.Val66Ala; replaces valine 66 with alanine.
Molecular consequence: missense variant.
Genome position (GRCh38, 1-based): chr8:118,110,850, A>G on the plus strand (T>C on the coding strand, the complement: EXT1 is on the minus strand). VCF-style: chr8-118110850-A-G. GRCh37 (hg19) VCF-style: chr8-119123089-A-G.
Other names: short protein forms V66A.
Identifiers: ClinVar variation 998181 (VCV000998181.1), dbSNP rs1242925512, ClinGen allele CA371916394.